The following is an entry in ClinVar:

ClinVar aggregate classification (germline): Uncertain significance. Review status: criteria provided, multiple submitters, no conflicts (2 of 4 stars). 3 submissions from 3 submitters: Uncertain significance (3). Last evaluated 2025-04-22.

Submissions (3):

GeneDx
Classification: Uncertain significance. Last evaluated: 2025-04-22. Review status: criteria provided, single submitter. Criteria: GeneDx Variant Classification Process June 2021. Collection method: clinical testing. Allele origin: germline. Affected: yes.
Comment: Has not been previously published as pathogenic or benign to our knowledge; In silico analysis indicates that this missense variant does not alter protein structure/function; Not observed at significant frequency in large population cohorts (gnomAD)

Blueprint Genetics
Classification: Uncertain significance. Last evaluated: 2024-05-08. Review status: criteria provided, single submitter. Criteria: ACMG Guidelines, 2015. Collection method: clinical testing. Allele origin: germline.

Mayo Clinic Laboratories, Mayo Clinic
Classification: Uncertain significance. Last evaluated: 2023-12-07. Review status: criteria provided, single submitter. Criteria: ACMG Guidelines, 2015. Collection method: clinical testing. Allele origin: germline. Observed: 1 variant allele.

Literature cited by the submitters: PubMed 37995443 (cited by Mayo Clinic Laboratories, Mayo Clinic).

NM_017547.4(FOXRED1):c.733C>T (p.Arg245Cys)

Gene: FOXRED1 (FAD dependent oxidoreductase domain containing 1; plus strand). Cytogenetic location: 11q24.2.
Variant type: single nucleotide variant.
Coding change: c.733C>T on transcript NM_017547.4 (MANE Select); coding-DNA position 733, C replaced by T.
Protein change: p.Arg245Cys; replaces arginine 245 with cysteine.
Molecular consequence: missense variant. On other transcripts: non-coding transcript variant (3), intron variant (1).
Genome position (GRCh38, 1-based): chr11:126,275,428, C>T. VCF-style: chr11-126275428-C-T. GRCh37 (hg19) VCF-style: chr11-126145323-C-T.
Other names: p.Arg245Cys; c.763C>T, p.Arg255Cys (NM_001425160.1); c.733C>T, p.Arg245Cys (NM_001425161.1, NM_001425163.1, NM_001425165.1 and 1 more transcripts); c.730C>T, p.Arg244Cys (NM_001425164.1); c.223C>T, p.Arg75Cys (NM_001425168.1, NM_001425169.1, NM_001425170.1); c.172C>T, p.Arg58Cys (NM_001425171.1, NM_001425172.1); c.100C>T, p.Arg34Cys (NM_001425173.1, NM_001425174.1, NM_001425175.1); c.632-366C>T (NM_001425167.1); and 1 more; short protein forms R244C, R245C, R255C, R34C, R58C, R75C.
Identifiers: ClinVar variation 3380056 (VCV003380056.3).